The following is an entry in ClinVar:

NM_032951.3(MLXIPL):c.1971G>A (p.Ala657=)

Gene: MLXIPL (MLX interacting protein like; minus strand). Cytogenetic location: 7q11.23.
Variant type: single nucleotide variant.
Coding change: c.1971G>A on transcript NM_032951.3 (MANE Select); coding-DNA position 1971, G replaced by A.
Protein change: p.Ala657=; no amino-acid change (alanine 657 retained).
Molecular consequence: synonymous variant. On other transcripts: non-coding transcript variant (1).
Genome position (GRCh38, 1-based): chr7:73,596,240, C>T on the plus strand (G>A on the coding strand, the complement: MLXIPL is on the minus strand). VCF-style: chr7-73596240-C-T. GRCh37 (hg19) VCF-style: chr7-73010570-C-T.
Other names: c.1971G>A, p.Ala657= (NM_032952.3); c.1965G>A, p.Ala655= (NM_032953.3, NM_032954.3).
Identifiers: ClinVar variation 763279 (VCV000763279.23), dbSNP rs370408161, ClinGen allele CA4289028.

ClinVar aggregate classification (germline): Likely benign. Review status: criteria provided, multiple submitters, no conflicts (2 of 4 stars). 2 submissions from 2 submitters: Likely benign (2). Last evaluated 2024-04-01.

Allele frequency attached by ClinVar (database versions not stated): gnomAD 0.00019; gnomAD exomes 0.00021 and 0.00015; TOPMed 0.00023; ExAC 0.00011; ESP Exome Variant Server 0.00015.
gnomAD v4.1: 347 of 1,612,448 alleles (0.022%); highest among the groups gnomAD compares: Middle Eastern, 0.033%; no homozygotes.

Submissions (2):

CeGaT Center for Human Genetics Tuebingen
Classification: Likely benign. Last evaluated: 2024-04-01. Review status: criteria provided, single submitter. Criteria: CeGaT Center For Human Genetics Tuebingen Variant Classification Criteria Version 2. Collection method: clinical testing. Allele origin: germline. Affected: yes. Observed: 1 variant allele.
Comment: MLXIPL: BP7

Labcorp Genetics (formerly Invitae), Labcorp
Classification: Likely benign. Last evaluated: 2019-12-31. Review status: criteria provided, single submitter. Criteria: Invitae Variant Classification Sherloc (09022015). Collection method: clinical testing. Allele origin: germline.